The following is an entry in ClinVar:

ClinVar aggregate classification (germline): Uncertain significance (1 of 4 stars; one submission).

Allele frequency attached by ClinVar (database versions not stated): ExAC 0.00001; gnomAD exomes 0.00001; TOPMed 0.00002.
gnomAD v4.1: 3 of 1,614,134 alleles (0.00019%); highest among the groups gnomAD compares: Admixed American, 0.005%; no homozygotes.

Submission:

Labcorp Genetics (formerly Invitae), Labcorp
Classification: Uncertain significance. Last evaluated: 2022-07-23. Review status: criteria provided, single submitter. Criteria: Invitae Variant Classification Sherloc (09022015). Collection method: clinical testing. Allele origin: germline.
Comment: This sequence change replaces proline, which is neutral and non-polar, with histidine, which is basic and polar, at codon 323 of the CCBE1 protein (p.Pro323His). This variant is present in population databases (rs746881230, gnomAD 0.006%). This variant has not been reported in the literature in individuals affected with CCBE1-related conditions. ClinVar contains an entry for this variant (Variation ID: 1410665). Algorithms developed to predict the effect of missense changes on protein structure and function (SIFT, PolyPhen-2, Align-GVGD) all suggest that this variant is likely to be disruptive. In summary, the available evidence is currently insufficient to determine the role of this variant in disease. Therefore, it has been classified as a Variant of Uncertain Significance.

NM_133459.4(CCBE1):c.968C>A (p.Pro323His)

Gene: CCBE1 (collagen and calcium binding EGF domains 1; minus strand). Cytogenetic location: 18q21.32.
Variant type: single nucleotide variant.
Coding change: c.968C>A on transcript NM_133459.4 (MANE Select); coding-DNA position 968, C replaced by A.
Protein change: p.Pro323His; replaces proline 323 with histidine.
Molecular consequence: missense variant.
Genome position (GRCh38, 1-based): chr18:59,438,130, G>T on the plus strand (C>A on the coding strand, the complement: CCBE1 is on the minus strand). VCF-style: chr18-59438130-G-T. GRCh37 (hg19) VCF-style: chr18-57105362-G-T.
Other names: short protein forms P323H.
Identifiers: ClinVar variation 1410665 (VCV001410665.5), dbSNP rs746881230, ClinGen allele CA8980233.
Genomic context (GRCh38, chr18:59,438,130, plus strand): 5'-GAACGTTCCCCTGGGGAAGCAGGACACAGAGTGCTACTTACTGGAGACCCTCTGGGCCCA[G>T]GCGCTCCTCTCTCCCCCTAAAAACAGAAAGGCCAGGGTTAGCTTTCTAGAGCACATGGAT-3'
Protein context (NP_597716.1, residues 313-333): RDGSKGERGA[Pro323His]GPRGSPGPPG